The following is an entry in ClinVar:

ClinVar aggregate classification (germline): Likely pathogenic (1 of 4 stars; one submission).

Submission:

Labcorp Genetics (formerly Invitae), Labcorp
Classification: Likely pathogenic. Last evaluated: 2024-03-01. Review status: criteria provided, single submitter. Criteria: Invitae Variant Classification Sherloc (09022015). Collection method: clinical testing. Allele origin: germline.
Comment: This sequence change replaces isoleucine, which is neutral and non-polar, with threonine, which is neutral and polar, at codon 1084 of the ABCA4 protein (p.Ile1084Thr). This variant is not present in population databases (gnomAD no frequency). This missense change has been observed in individual(s) with Stargardt disease (PMID: 32619608). Advanced modeling of protein sequence and biophysical properties (such as structural, functional, and spatial information, amino acid conservation, physicochemical variation, residue mobility, and thermodynamic stability) performed at Invitae indicates that this missense variant is expected to disrupt ABCA4 protein function with a positive predictive value of 95%. In summary, the currently available evidence indicates that the variant is pathogenic, but additional data are needed to prove that conclusively. Therefore, this variant has been classified as Likely Pathogenic.

Literature cited by the submitters: PubMed 32619608.

NM_000350.3(ABCA4):c.3251T>C (p.Ile1084Thr)

Gene: ABCA4 (ATP binding cassette subfamily A member 4; minus strand). Cytogenetic location: 1p22.1.
Variant type: single nucleotide variant.
Coding change: c.3251T>C on transcript NM_000350.3 (MANE Select); coding-DNA position 3251, T replaced by C.
Protein change: p.Ile1084Thr; replaces isoleucine 1084 with threonine.
Molecular consequence: missense variant.
Genome position (GRCh38, 1-based): chr1:94,042,838, A>G on the plus strand (T>C on the coding strand, the complement: ABCA4 is on the minus strand). VCF-style: chr1-94042838-A-G. GRCh37 (hg19) VCF-style: chr1-94508394-A-G.
Other names: c.3029T>C, p.Ile1010Thr (NM_001425324.1); short protein forms I1084T, I1010T.
Identifiers: ClinVar variation 3676996 (VCV003676996.2).
Genomic context (GRCh38, chr1:94,042,838, plus strand): 5'-AGCAGATCCCAGATTGAGCGTCTCGAGTAAGGGTCCACCCCAGAGGTGGGTTCGTCCAGA[A>G]TCACCACCTTGGCATCTCCCACAAAGGCAATGGCAACCGACAGCTTTCTCTGCATGCCAC-3'
Protein context (NP_000341.2, residues 1074-1094): IAFVGDAKVV[Ile1084Thr]LDEPTSGVDP